The following is an entry in ClinVar:

NM_023110.3(FGFR1):c.193A>C (p.Asn65His)

Gene: FGFR1 (fibroblast growth factor receptor 1; minus strand). Cytogenetic location: 8p11.23.
Variant type: single nucleotide variant.
Coding change: c.193A>C on transcript NM_023110.3 (MANE Select); coding-DNA position 193, A replaced by C.
Protein change: p.Asn65His; replaces asparagine 65 with histidine.
Molecular consequence: missense variant. On other transcripts: intron variant (5).
Genome position (GRCh38, 1-based): chr8:38,429,847, T>G on the plus strand (A>C on the coding strand, the complement: FGFR1 is on the minus strand). VCF-style: chr8-38429847-T-G. GRCh37 (hg19) VCF-style: chr8-38287365-T-G.
Other names: c.193A>C, p.Asn65His (NM_001174063.2, NM_001174065.2, NM_001354367.2 and 2 more transcripts); c.169A>C, p.Asn57His (NM_001174064.2); c.292A>C, p.Asn98His (NM_001174067.2); c.92-1412A>C (NM_001354368.2, NM_001354370.2, NM_023106.3 and 2 more transcripts); short protein forms N57H, N65H, N98H.
Identifiers: ClinVar variation 1026311 (VCV001026311.8), dbSNP rs768919123, ClinGen allele CA4718857.
Genomic context (GRCh38, chr8:38,429,847, plus strand): 5'-CCTCCCCTGTGATGCGGGTGCGGTTGCTTTCCGCCAGCTGCACCCCGTCCCGCAGCCAGT[T>G]GATGCTCTGCACATCGTCCCGCAGCCGACAGCGAAGCTGCAGCAGGTCACCGGGGTGGAC-3'
Protein context (NP_075598.2, residues 55-75): CRLRDDVQSI[Asn65His]WLRDGVQLAE

ClinVar aggregate classification (germline): Uncertain significance. Review status: criteria provided, multiple submitters, no conflicts (2 of 4 stars). 2 submissions from 2 submitters: Uncertain significance (2). Last evaluated 2024-08-19.

Conditions:
Hypogonadotropic hypogonadism 2 with or without anosmia (HH2). Also called: HYPOGONADOTROPIC HYPOGONADISM 2 WITHOUT ANOSMIA; HYPOGONADOTROPIC HYPOGONADISM 2 WITH OR WITHOUT ANOSMIA, SUSCEPTIBILITY TO; HYPOGONADOTROPIC HYPOGONADISM 2 WITHOUT ANOSMIA, SUSCEPTIBILITY TO; FGFR1-Related GnRH Deficiency (Kallmann Syndrome 2). Identifiers: Orphanet 478, MedGen C1563720, MONDO:0007844, OMIM 147950. Disease mechanism: loss of function.
Pfeiffer syndrome (ACS5). Also called: ACS V. Identifiers: Orphanet 710, MedGen C0220658, MONDO:0007043, OMIM 101600.

Allele frequency attached by ClinVar (database versions not stated): gnomAD exomes below 0.00001 and 0.00002; TOPMed 0.00001; ExAC 0.00002.
gnomAD v4.1: 5 of 1,614,020 alleles (0.00031%); highest among the groups gnomAD compares: Admixed American, 0.0067%; no homozygotes.

Submissions (2):

GeneDx
Classification: Uncertain significance. Last evaluated: 2024-08-19. Review status: criteria provided, single submitter. Criteria: GeneDx Variant Classification Process June 2021. Collection method: clinical testing. Allele origin: germline. Affected: yes.
Comment: In silico analysis indicates that this missense variant does not alter protein structure/function; Has not been previously published as pathogenic or benign to our knowledge

Labcorp Genetics (formerly Invitae), Labcorp
Classification: Uncertain significance for Pfeiffer syndrome; Hypogonadotropic hypogonadism 2 with or without anosmia. Last evaluated: 2023-10-17. Review status: criteria provided, single submitter. Criteria: Invitae Variant Classification Sherloc (09022015). Collection method: clinical testing. Allele origin: germline.
Comment: This sequence change replaces asparagine, which is neutral and polar, with histidine, which is basic and polar, at codon 65 of the FGFR1 protein (p.Asn65His). This variant is present in population databases (rs768919123, gnomAD 0.01%). This variant has not been reported in the literature in individuals affected with FGFR1-related conditions. ClinVar contains an entry for this variant (Variation ID: 1026311). Advanced modeling of protein sequence and biophysical properties (such as structural, functional, and spatial information, amino acid conservation, physicochemical variation, residue mobility, and thermodynamic stability) has been performed at Invitae for this missense variant, however the output from this modeling did not meet the statistical confidence thresholds required to predict the impact of this variant on FGFR1 protein function. In summary, the available evidence is currently insufficient to determine the role of this variant in disease. Therefore, it has been classified as a Variant of Uncertain Significance.